The following is an entry in ClinVar:

ClinVar aggregate classification (germline): Uncertain significance (1 of 4 stars; one submission).

Conditions:
Neuropathy, hereditary sensory and autonomic, type 2A (HSAN2A). Also called: HSAN IIA; ACROOSTEOLYSIS, GIACCAI TYPE; ACROOSTEOLYSIS, NEUROGENIC; WNK1-Related HSAN2 (HSAN2A); MORVAN DISEASE; NEUROPATHY, CONGENITAL SENSORY. Identifiers: Orphanet 970, MedGen C2752089, MONDO:0024309, OMIM 201300.
Generalized epilepsy with febrile seizures plus, type 7 (GEFSP7). Also called: GEFS+, TYPE 7. Identifiers: Orphanet 36387, MedGen C2751778, MONDO:0013470, OMIM 613863.

Allele frequency attached by ClinVar (database versions not stated): TOPMed below 0.00001.
gnomAD v4.1: 1 of 1,568,416 alleles (0.000064%); highest among the groups gnomAD compares: Non-Finnish European, 0.000087%; no homozygotes.

Submission:

Labcorp Genetics (formerly Invitae), Labcorp
Classification: Uncertain significance for Neuropathy, hereditary sensory and autonomic, type 2A; Generalized epilepsy with febrile seizures plus, type 7. Last evaluated: 2018-06-20. Review status: criteria provided, single submitter. Criteria: Invitae Variant Classification Sherloc (09022015). Collection method: clinical testing. Allele origin: germline.
Comment: In summary, the available evidence is currently insufficient to determine the role of this variant in disease. Therefore, it has been classified as a Variant of Uncertain Significance. Algorithms developed to predict the effect of missense changes on protein structure and function output the following: SIFT: "Tolerated"; PolyPhen-2: "Benign"; Align-GVGD: "Class C0". The glutamic acid amino acid residue is found in multiple mammalian species, suggesting that this missense change does not adversely affect protein function. These predictions have not been confirmed by published functional studies and their clinical significance is uncertain. This variant has not been reported in the literature in individuals with SCN9A-related disease. This variant is not present in population databases (ExAC no frequency). This sequence change replaces aspartic acid with glutamic acid at codon 150 of the SCN9A protein (p.Asp150Glu). The aspartic acid residue is moderately conserved and there is a small physicochemical difference between aspartic acid and glutamic acid.

NM_001365536.1(SCN9A):c.450C>A (p.Asp150Glu)

Gene: SCN9A (sodium voltage-gated channel alpha subunit 9; minus strand). Cytogenetic location: 2q24.3.
Variant type: single nucleotide variant.
Coding change: c.450C>A on transcript NM_001365536.1 (MANE Select); coding-DNA position 450, C replaced by A.
Protein change: p.Asp150Glu; replaces aspartic acid 150 with glutamic acid.
Molecular consequence: missense variant.
Genome position (GRCh38, 1-based): chr2:166,306,527, G>T on the plus strand (C>A on the coding strand, the complement: SCN9A is on the minus strand). VCF-style: chr2-166306527-G-T. GRCh37 (hg19) VCF-style: chr2-167163037-G-T.
Other names: c.450C>A, p.Asp150Glu (NM_002977.4); short protein forms D150E.
Identifiers: ClinVar variation 578240 (VCV000578240.9), dbSNP rs1559030500, ClinGen allele CA349095338.